The following is an entry in ClinVar:

ClinVar aggregate classification (germline): Pathogenic (1 of 4 stars; one submission).

Conditions:
Neurofibromatosis, type 2 (SWNV). Also called: BILATERAL ACOUSTIC NEUROFIBROMATOSIS; SCHWANNOMATOSIS, VESTIBULAR; NF2-Related Schwannomatosis. Identifiers: Orphanet 637, MedGen C0027832, MONDO:0007039, OMIM 101000. Disease mechanism: loss of function.

Submission:

Labcorp Genetics (formerly Invitae), Labcorp
Classification: Pathogenic for Neurofibromatosis, type 2. Last evaluated: 2021-06-21. Review status: criteria provided, single submitter. Criteria: Invitae Variant Classification Sherloc (09022015). Collection method: clinical testing. Allele origin: germline.
Comment: For these reasons, this variant has been classified as Pathogenic. This sequence change affects a donor splice site in intron 6 of the NF2 gene. It is expected to disrupt RNA splicing. Variants that disrupt the donor or acceptor splice site typically lead to a loss of protein function (PMID: 16199547), and loss-of-function variants in NF2 are known to be pathogenic (PMID: 9643284, 16983642). This variant is not present in population databases (ExAC no frequency). Disruption of this splice site has been observed in individuals with clinical features of neurofibromatosis type 2 (PMID: 16983642; Invitae). Algorithms developed to predict the effect of sequence changes on RNA splicing suggest that this variant may disrupt the consensus splice site.

Literature cited by the submitters: PubMed 16199547; PubMed 9643284; PubMed 16983642.

NM_000268.4(NF2):c.599+2T>G

Gene: NF2 (NF2, moesin-ezrin-radixin like (MERLIN) tumor suppressor; plus strand). Cytogenetic location: 22q12.2.
Variant type: single nucleotide variant.
Coding change: c.599+2T>G on transcript NM_000268.4 (MANE Select); the canonical splice donor site of the intron after coding-DNA position 599, T replaced by G.
Molecular consequence: splice donor variant. On other transcripts: intron variant (1).
Genome position (GRCh38, 1-based): chr22:29,655,678, T>G. VCF-style: chr22-29655678-T-G. GRCh37 (hg19) VCF-style: chr22-30051667-T-G.
Other names: c.599+2T>G (NM_016418.5, NM_181832.3, NM_001407060.1 and 4 more transcripts); c.485+2T>G (NM_001407056.1, NM_001407053.1); c.368+2T>G (NM_001407067.1); c.65+2T>G (NM_001407065.1); c.447+13393T>G (NM_181833.3); c.476+2T>G (NM_001407058.1, NM_181829.3, NM_001407054.1 and 1 more transcripts); c.473+2T>G (NM_181828.3, NM_001407055.1); c.350+2T>G (NM_001407063.1, NM_181830.3, NM_001407064.1 and 1 more transcripts).
Identifiers: ClinVar variation 1455255 (VCV001455255.6), dbSNP rs2146974102, ClinGen allele CA411142738.